The following is an entry in ClinVar:

ClinVar aggregate classification (germline): Uncertain significance (1 of 4 stars; one submission).

Allele frequency attached by ClinVar (database versions not stated): ExAC 0.00001; gnomAD 0.00001; TOPMed 0.00001.
gnomAD v4.1: 3 of 1,611,386 alleles (0.00019%); highest among the groups gnomAD compares: African/African-American, 0.0027%; no homozygotes.

Submission:

Labcorp Genetics (formerly Invitae), Labcorp
Classification: Uncertain significance. Last evaluated: 2021-12-20. Review status: criteria provided, single submitter. Criteria: Invitae Variant Classification Sherloc (09022015). Collection method: clinical testing. Allele origin: germline.
Comment: In summary, the available evidence is currently insufficient to determine the role of this variant in disease. Therefore, it has been classified as a Variant of Uncertain Significance. Algorithms developed to predict the effect of missense changes on protein structure and function are either unavailable or do not agree on the potential impact of this missense change (SIFT: "Tolerated"; PolyPhen-2: "Not Available"; Align-GVGD: "Class C0"). This variant has not been reported in the literature in individuals affected with PTPN23-related conditions. This variant is present in population databases (rs776135224, gnomAD 0.007%). This sequence change replaces proline, which is neutral and non-polar, with serine, which is neutral and polar, at codon 749 of the PTPN23 protein (p.Pro749Ser).

NM_015466.4(PTPN23):c.2245C>T (p.Pro749Ser)

Gene: PTPN23 (protein tyrosine phosphatase non-receptor type 23; plus strand). Cytogenetic location: 3p21.31.
Variant type: single nucleotide variant.
Coding change: c.2245C>T on transcript NM_015466.4 (MANE Select); coding-DNA position 2245, C replaced by T.
Protein change: p.Pro749Ser; replaces proline 749 with serine.
Molecular consequence: missense variant.
Genome position (GRCh38, 1-based): chr3:47,410,043, C>T. VCF-style: chr3-47410043-C-T. GRCh37 (hg19) VCF-style: chr3-47451533-C-T.
Other names: c.1867C>T, p.Pro623Ser (NM_001304482.2); short protein forms P749S, P623S.
Identifiers: ClinVar variation 1924784 (VCV001924784.5), dbSNP rs776135224, ClinGen allele CA2365986.
Genomic context (GRCh38, chr3:47,410,043, plus strand): 5'-CGCAGGGAGGAGAGTGAGGCAGTGGAAGCAGGAGACCCCCCTGAGGAGCTGCGCAGCCTC[C>T]CCCCTGACATGGTGGCTGGCCCACGACTGCCTGACACCTTCCTGGGAAGTGCCACCCCGC-3'
Protein context (NP_056281.1, residues 739-759): GDPPEELRSL[Pro749Ser]PDMVAGPRLP